The following is an entry in ClinVar:

NM_000075.4(CDK4):c.149C>T (p.Pro50Leu)

Genes: CDK4 (cyclin dependent kinase 4; minus strand), LOC130008148 (ATAC-STARR-seq lymphoblastoid silent region 4588; plus strand). Cytogenetic location: 12q14.1.
Variant type: single nucleotide variant.
Coding change: c.149C>T on transcript NM_000075.4 (MANE Select); coding-DNA position 149, C replaced by T.
Protein change: p.Pro50Leu; replaces proline 50 with leucine.
Molecular consequence: missense variant.
Genome position (GRCh38, 1-based): chr12:57,751,569, G>A on the plus strand (C>T on the coding strand, the complement: CDK4 is on the minus strand). VCF-style: chr12-57751569-G-A. GRCh37 (hg19) VCF-style: chr12-58145352-G-A.
Other names: short protein forms P50L.
Identifiers: ClinVar variation 2078585 (VCV002078585.4), dbSNP rs2140388331, ClinGen allele CA385548696.

ClinVar aggregate classification (germline): Uncertain significance (1 of 4 stars; one submission).

Conditions:
Familial melanoma. Also called: Hereditary melanoma; Hereditary cutaneous melanoma. Identifiers: Orphanet 618, MedGen C1512419, MONDO:0018961.

Submission:

Labcorp Genetics (formerly Invitae), Labcorp
Classification: Uncertain significance for Familial melanoma. Last evaluated: 2023-09-21. Review status: criteria provided, single submitter. Criteria: Invitae Variant Classification Sherloc (09022015). Collection method: clinical testing. Allele origin: germline.
Comment: This sequence change replaces proline, which is neutral and non-polar, with leucine, which is neutral and non-polar, at codon 50 of the CDK4 protein (p.Pro50Leu). This variant is not present in population databases (gnomAD no frequency). This variant has not been reported in the literature in individuals affected with CDK4-related conditions. ClinVar contains an entry for this variant (Variation ID: 2078585). Advanced modeling of protein sequence and biophysical properties (such as structural, functional, and spatial information, amino acid conservation, physicochemical variation, residue mobility, and thermodynamic stability) performed at Invitae indicates that this missense variant is expected to disrupt CDK4 protein function. In summary, the available evidence is currently insufficient to determine the role of this variant in disease. Therefore, it has been classified as a Variant of Uncertain Significance.